The following is an entry in ClinVar:

ClinVar aggregate classification (germline): Uncertain significance (1 of 4 stars; one submission).

Allele frequency attached by ClinVar (database versions not stated): TOPMed 0.00002; gnomAD 0.00002; gnomAD exomes 0.00002.
gnomAD v4.1: 34 of 1,601,516 alleles (0.0021%); highest among the groups gnomAD compares: Admixed American, 0.0068%; no homozygotes.

Submission:

Labcorp Genetics (formerly Invitae), Labcorp
Classification: Uncertain significance. Last evaluated: 2025-03-31. Review status: criteria provided, single submitter. Criteria: Invitae Variant Classification Sherloc (09022015). Collection method: clinical testing. Allele origin: germline.
Comment: This sequence change replaces valine, which is neutral and non-polar, with methionine, which is neutral and non-polar, at codon 345 of the WNT4 protein (p.Val345Met). This variant is present in population databases (rs201176310, gnomAD 0.01%). This missense change has been observed in individual(s) with WNT4-related conditions (PMID: 28618409). ClinVar contains an entry for this variant (Variation ID: 2049303). Invitae Evidence Modeling of protein sequence and biophysical properties (such as structural, functional, and spatial information, amino acid conservation, physicochemical variation, residue mobility, and thermodynamic stability) has been performed for this missense variant. However, the output from this modeling did not meet the statistical confidence thresholds required to predict the impact of this variant on WNT4 protein function. In summary, the available evidence is currently insufficient to determine the role of this variant in disease. Therefore, it has been classified as a Variant of Uncertain Significance.

Literature cited by the submitters: PubMed 28618409.

NM_030761.5(WNT4):c.1033G>A (p.Val345Met)

Gene: WNT4 (Wnt family member 4; minus strand). Cytogenetic location: 1p36.12.
Variant type: single nucleotide variant.
Coding change: c.1033G>A on transcript NM_030761.5 (MANE Select); coding-DNA position 1033, G replaced by A.
Protein change: p.Val345Met; replaces valine 345 with methionine.
Molecular consequence: missense variant.
Genome position (GRCh38, 1-based): chr1:22,120,073, C>T on the plus strand (G>A on the coding strand, the complement: WNT4 is on the minus strand). VCF-style: chr1-22120073-C-T. GRCh37 (hg19) VCF-style: chr1-22446566-C-T.
Other names: short protein forms V345M.
Identifiers: ClinVar variation 2049303 (VCV002049303.4), dbSNP rs201176310, ClinGen allele CA675226.